The following is an entry in ClinVar:

ClinVar aggregate classification (germline): Uncertain significance (1 of 4 stars; one submission).

Conditions:
Oligodontia-cancer predisposition syndrome. Also called: TOOTH AGENESIS-COLORECTAL CANCER SYNDROME. Identifiers: Orphanet 300576, MedGen C1837750, MONDO:0012075, OMIM 608615. Disease mechanism: loss of function.

Submission:

Labcorp Genetics (formerly Invitae), Labcorp
Classification: Uncertain significance for Oligodontia-cancer predisposition syndrome. Last evaluated: 2023-08-30. Review status: criteria provided, single submitter. Criteria: Invitae Variant Classification Sherloc (09022015). Collection method: clinical testing. Allele origin: germline.
Comment: This variant is not present in population databases (gnomAD no frequency). This variant has not been reported in the literature in individuals affected with AXIN2-related conditions. Advanced modeling of protein sequence and biophysical properties (such as structural, functional, and spatial information, amino acid conservation, physicochemical variation, residue mobility, and thermodynamic stability) performed at Invitae indicates that this missense variant is not expected to disrupt AXIN2 protein function. In summary, the available evidence is currently insufficient to determine the role of this variant in disease. Therefore, it has been classified as a Variant of Uncertain Significance. This sequence change replaces asparagine, which is neutral and polar, with aspartic acid, which is acidic and polar, at codon 142 of the AXIN2 protein (p.Asn142Asp).

NM_004655.4(AXIN2):c.424A>G (p.Asn142Asp)

Gene: AXIN2 (axin 2; minus strand). Cytogenetic location: 17q24.1.
Variant type: single nucleotide variant.
Coding change: c.424A>G on transcript NM_004655.4 (MANE Select); coding-DNA position 424, A replaced by G.
Protein change: p.Asn142Asp; replaces asparagine 142 with aspartic acid.
Molecular consequence: missense variant.
Genome position (GRCh38, 1-based): chr17:65,558,197, T>C on the plus strand (A>G on the coding strand, the complement: AXIN2 is on the minus strand). VCF-style: chr17-65558197-T-C. GRCh37 (hg19) VCF-style: chr17-63554315-T-C.
Other names: c.424A>G, p.Asn142Asp (NM_001363813.1); short protein forms N142D.
Identifiers: ClinVar variation 2814509 (VCV002814509.3), dbSNP rs2544251040, ClinGen allele CA400681419.
Genomic context (GRCh38, chr17:65,558,197, plus strand): 5'-TGATGCCATCTCTTATGTAGGTCTTGGTGGCAGGCTTCAGCTGCTTGGAGACAATGCTGT[T>C]GTTCTCAATGTACCTTTTGTAGATCGCTTTGGCTACTCGTAAAGTTTTGGTATCCTTCAG-3'
Protein context (NP_004646.3, residues 132-152): KAIYKRYIEN[Asn142Asp]SIVSKQLKPA